The following is an entry in ClinVar:

ClinVar aggregate classification (germline): Uncertain significance (1 of 4 stars; one submission).

Conditions:
Legius syndrome. Identifiers: Orphanet 137605, MedGen C1969623, MONDO:0012669, OMIM 611431. Disease mechanism: loss of function.

Submission:

Labcorp Genetics (formerly Invitae), Labcorp
Classification: Uncertain significance for Legius syndrome. Last evaluated: 2021-06-24. Review status: criteria provided, single submitter. Criteria: Invitae Variant Classification Sherloc (09022015). Collection method: clinical testing. Allele origin: germline.
Comment: This sequence change replaces alanine with proline at codon 119 of the SPRED1 protein (p.Ala119Pro). The alanine residue is highly conserved and there is a small physicochemical difference between alanine and proline. This variant is not present in population databases (ExAC no frequency). This variant has been observed in individual(s) with clinical features of Legius syndrome (Invitae). Algorithms developed to predict the effect of missense changes on protein structure and function (SIFT, PolyPhen-2, Align-GVGD) all suggest that this variant is likely to be disruptive. In summary, the available evidence is currently insufficient to determine the role of this variant in disease. Therefore, it has been classified as a Variant of Uncertain Significance.

NM_152594.3(SPRED1):c.355G>C (p.Ala119Pro)

Gene: SPRED1 (sprouty related EVH1 domain containing 1; plus strand). Cytogenetic location: 15q14.
Variant type: single nucleotide variant.
Coding change: c.355G>C on transcript NM_152594.3 (MANE Select); coding-DNA position 355, G replaced by C.
Protein change: p.Ala119Pro; replaces alanine 119 with proline.
Molecular consequence: missense variant.
Genome position (GRCh38, 1-based): chr15:38,322,388, G>C. VCF-style: chr15-38322388-G-C. GRCh37 (hg19) VCF-style: chr15-38614589-G-C.
Other names: short protein forms A119P.
Identifiers: ClinVar variation 1461713 (VCV001461713.8), dbSNP rs2140994936, ClinGen allele CA391932217.